The following is an entry in ClinVar:

NM_022836.4(DCLRE1B):c.1093C>G (p.Gln365Glu)

Gene: DCLRE1B (DNA cross-link repair 1B; plus strand). Cytogenetic location: 1p13.2.
Variant type: single nucleotide variant.
Coding change: c.1093C>G on transcript NM_022836.4 (MANE Select); coding-DNA position 1093, C replaced by G.
Protein change: p.Gln365Glu; replaces glutamine 365 with glutamic acid.
Molecular consequence: missense variant.
Genome position (GRCh38, 1-based): chr1:113,911,685, C>G. VCF-style: chr1-113911685-C-G. GRCh37 (hg19) VCF-style: chr1-114454307-C-G.
Other names: c.715C>G, p.Gln239Glu (NM_001319946.2, NM_001319947.2, NM_001363691.2); c.1093C>G, p.Gln365Glu (NM_001363690.2); short protein forms Q239E, Q365E.
Identifiers: ClinVar variation 1007052 (VCV001007052.8), dbSNP rs780781288, ClinGen allele CA1016525.

ClinVar aggregate classification (germline): Uncertain significance (1 of 4 stars; one submission).

Conditions:
Hoyeraal-Hreidarsson syndrome (HHS). Also called: CEREBELLAR HYPOPLASIA WITH PANCYTOPENIA. Identifiers: Orphanet 3322, MedGen C1846142, MONDO:0018045.
Autosomal recessive dyskeratosis congenita. Identifiers: MedGen C3502105.

Allele frequency attached by ClinVar (database versions not stated): ExAC 0.00001; gnomAD 0.00001; gnomAD exomes 0.00001 and 0.00002; TOPMed 0.00001.
gnomAD v4.1: 23 of 1,613,482 alleles (0.0014%); highest among the groups gnomAD compares: South Asian, 0.021%; no homozygotes.

Submission:

Labcorp Genetics (formerly Invitae), Labcorp
Classification: Uncertain significance for Hoyeraal-Hreidarsson syndrome; Autosomal recessive dyskeratosis congenita. Last evaluated: 2020-05-27. Review status: criteria provided, single submitter. Criteria: Invitae Variant Classification Sherloc (09022015). Collection method: clinical testing. Allele origin: germline.
Comment: In summary, the available evidence is currently insufficient to determine the role of this variant in disease. Therefore, it has been classified as a Variant of Uncertain Significance. Algorithms developed to predict the effect of missense changes on protein structure and function (SIFT, PolyPhen-2, Align-GVGD) all suggest that this variant is likely to be tolerated, but these predictions have not been confirmed by published functional studies and their clinical significance is uncertain. This variant has not been reported in the literature in individuals with DCLRE1B-related conditions. This variant is present in population databases (rs780781288, ExAC 0.006%). This sequence change replaces glutamine with glutamic acid at codon 365 of the DCLRE1B protein (p.Gln365Glu). The glutamine residue is weakly conserved and there is a small physicochemical difference between glutamine and glutamic acid.